The following is an entry in ClinVar:

ClinVar aggregate classification (germline): Uncertain significance (1 of 4 stars; one submission).

Conditions:
Amyotrophic lateral sclerosis type 6. Also called: FUS-Related Amyotrophic Laterial Sclerosis; AMYOTROPHIC LATERAL SCLEROSIS 6 WITHOUT FRONTOTEMPORAL DEMENTIA; Amyotrophic lateral sclerosis 6, with or without frontotemporal dementia. Identifiers: Orphanet 275872, Orphanet 803, MedGen C2931786, MONDO:0011951, OMIM 608030.
Tremor, hereditary essential, 4 (ETM4). Identifiers: MedGen C3539195, MONDO:0013888, OMIM 614782.

gnomAD v4.1: 2 of 1,613,960 alleles (0.00012%); highest among the groups gnomAD compares: Non-Finnish European, 0.00017%; no homozygotes.

Submission:

Labcorp Genetics (formerly Invitae), Labcorp
Classification: Uncertain significance for Tremor, hereditary essential, 4; Amyotrophic lateral sclerosis type 6. Last evaluated: 2024-08-08. Review status: criteria provided, single submitter. Criteria: Invitae Variant Classification Sherloc (09022015). Collection method: clinical testing. Allele origin: germline.
Comment: This sequence change replaces arginine, which is basic and polar, with glutamine, which is neutral and polar, at codon 377 of the FUS protein (p.Arg377Gln). This variant is present in population databases (no rsID available, gnomAD 0.007%). This variant has not been reported in the literature in individuals affected with FUS-related conditions. An algorithm developed to predict the effect of missense changes on protein structure and function (PolyPhen-2) suggests that this variant is likely to be disruptive. In summary, the available evidence is currently insufficient to determine the role of this variant in disease. Therefore, it has been classified as a Variant of Uncertain Significance.

NM_004960.4(FUS):c.1130G>A (p.Arg377Gln)

Gene: FUS (FUS RNA binding protein; plus strand). Cytogenetic location: 16p11.2.
Variant type: single nucleotide variant.
Coding change: c.1130G>A on transcript NM_004960.4 (MANE Select); coding-DNA position 1130, G replaced by A.
Protein change: p.Arg377Gln; replaces arginine 377 with glutamine.
Molecular consequence: missense variant. On other transcripts: non-coding transcript variant (1).
Genome position (GRCh38, 1-based): chr16:31,190,103, G>A. VCF-style: chr16-31190103-G-A. GRCh37 (hg19) VCF-style: chr16-31201424-G-A.
Other names: c.1127G>A, p.Arg376Gln (NM_001170634.1); c.1118G>A, p.Arg373Gln (NM_001170937.1); short protein forms R373Q, R376Q, R377Q.
Identifiers: ClinVar variation 3761500 (VCV003761500.2).